The following is an entry in ClinVar:

ClinVar aggregate classification (germline): Pathogenic. Review status: reviewed by expert panel (3 of 4 stars). 2 submissions from 2 submitters: Pathogenic (1). 1 of the submissions does not count toward it. Last evaluated 2017-12-15.

Conditions:
Familial cancer of breast. Also called: BREAST CANCER, FAMILIAL; Hereditary breast cancer; hereditary breast carcinoma. Identifiers: Orphanet 227535, MedGen C0346153, MONDO:0016419, OMIM 114480. Disease mechanism: loss of function.
Breast-ovarian cancer, familial, susceptibility to, 2 (BROVCA2). Also called: BRCA2 Hereditary Breast and Ovarian Cancer. Identifiers: Orphanet 145, MedGen C2675520, MONDO:0012933, OMIM 612555. Disease mechanism: loss of function.

Submissions (2):

Evidence-based Network for the Interpretation of Germline Mutant Alleles (ENIGMA)
Classification: Pathogenic for Breast-ovarian cancer, familial, susceptibility to, 2. Last evaluated: 2017-12-15. Review status: reviewed by expert panel. Criteria: ENIGMA BRCA1/2 Classification Criteria (2017-06-29). Collection method: curation. Allele origin: germline. Study: ENIGMA.
Comment: Variant allele predicted to encode a truncated non-functional protein.

ClinVar Staff, National Center for Biotechnology Information (NCBI)
No classification provided. Condition: Familial cancer of breast. Review status: no classification provided. Collection method: literature only. Allele origin: germline. Affected: yes. Not counted in ClinVar's aggregate classification.

Literature cited by the submitters: PubMed 16047344 (cited by ClinVar Staff, National Center for Biotechnology Information (NCBI)).

NM_000059.4(BRCA2):c.5829_5830del (p.Lys1944fs)

Gene: BRCA2 (BRCA2 DNA repair associated; plus strand). Cytogenetic location: 13q13.1.
Variant type: Deletion.
Coding change: c.5829_5830del on transcript NM_000059.4 (MANE Select); coding-DNA positions 5829 to 5830, 2 bases deleted (TA; older notation c.5829_5830delTA).
Protein change: p.Lys1944fs; shifts the reading frame from lysine 1944.
Molecular consequence: frameshift variant.
Genome position (GRCh38, 1-based): chr13:32,340,184-32,340,185, TA deleted. VCF-style (leftmost placement, unchanged base first): chr13-32340183-CTA-C. GRCh37 (hg19) VCF-style: chr13-32914320-CTA-C.
Other names: c.5829_5830delTA (NM_000059.3); short protein forms K1944fs.
Identifiers: ClinVar variation 51946 (VCV000051946.2), dbSNP rs397507808, ClinGen allele CA023278.